The following is an entry in ClinVar:

NM_000038.6(APC):c.2196T>G (p.Asn732Lys)

Gene: APC (APC regulator of WNT signaling pathway; plus strand). Cytogenetic location: 5q22.2.
Variant type: single nucleotide variant.
Coding change: c.2196T>G on transcript NM_000038.6 (MANE Select); coding-DNA position 2196, T replaced by G.
Protein change: p.Asn732Lys; replaces asparagine 732 with lysine.
Molecular consequence: missense variant. On other transcripts: non-coding transcript variant (2).
Genome position (GRCh38, 1-based): chr5:112,837,790, T>G. VCF-style: chr5-112837790-T-G. GRCh37 (hg19) VCF-style: chr5-112173487-T-G.
Other names: c.2196T>G, p.Asn732Lys (NM_001127510.3, NM_001354895.2, NM_001407450.1); c.2142T>G, p.Asn714Lys (NM_001127511.3); c.2250T>G, p.Asn750Lys (NM_001354896.2, NM_001407447.1, NM_001407448.1 and 1 more transcripts); c.2226T>G, p.Asn742Lys (NM_001354897.2); c.2121T>G, p.Asn707Lys (NM_001354898.2); c.2112T>G, p.Asn704Lys (NM_001354899.2); c.2073T>G, p.Asn691Lys (NM_001354900.2); c.2019T>G, p.Asn673Lys (NM_001354901.2, NM_001407453.1); and 11 more; short protein forms N348K, N449K, N572K, N603K, N606K, N631K, N641K, N649K.
Identifiers: ClinVar variation 3071117 (VCV003071117.1), dbSNP rs781693283, ClinGen allele CA16026144.

ClinVar aggregate classification (germline): Uncertain significance (1 of 4 stars; one submission).

Conditions:
Classic or attenuated familial adenomatous polyposis. Identifiers: MedGen CN372698, MONDO:0021057.

gnomAD v4.1: 1 of 1,614,046 alleles (0.000062%); highest among the groups gnomAD compares: Non-Finnish European, 0.000085%; no homozygotes.

Submission:

All of Us Research Program, National Institutes of Health
Classification: Uncertain significance for Classic or attenuated familial adenomatous polyposis. Last evaluated: 2023-05-16. Review status: criteria provided, single submitter. Criteria: ACMG Guidelines, 2015. Collection method: clinical testing. Allele origin: germline. Inheritance: Autosomal dominant inheritance. Observed: 1 variant allele, 1 heterozygote.
Comment: This missense variant replaces asparagine with lysine at codon 732 of the APC protein. Computational prediction suggests that this variant may not impact protein structure and function (internally defined REVEL score threshold <= 0.5, PMID: 27666373). To our knowledge, functional studies have not been reported for this variant. This variant has not been reported in individuals affected with APC-related disorders in the literature. This variant has not been identified in the general population by the Genome Aggregation Database (gnomAD). The available evidence is insufficient to determine the role of this variant in disease conclusively. Therefore, this variant is classified as a Variant of Uncertain Significance.

This study involves interpretation of variants in research participants for the purpose of population health screening. Participant phenotype was not available at the time of variant classification. Additional details can be found in publication PMID: 35346344, PMCID: PMC8962531